The following is an entry in ClinVar:

NM_152564.5(VPS13B):c.7247_7247+1delinsATGGAGC

Gene: VPS13B (vacuolar protein sorting 13 homolog B; plus strand). Cytogenetic location: 8q22.2.
Variant type: Indel.
Coding change: c.7247_7247+1delinsATGGAGC on transcript NM_152564.5 (MANE Select); coding-DNA position 7247 through the canonical splice donor site of the intron after coding-DNA position 7247, GG replaced by ATGGAGC.
Molecular consequence: splice donor variant.
Genome position (GRCh38, 1-based): chr8:99,766,970-99,766,971, GG replaced by ATGGAGC. VCF-style: chr8-99766970-GG-ATGGAGC. GRCh37 (hg19) VCF-style: chr8-100779198-GG-ATGGAGC.
Other names: c.7322_7322+1delinsATGGAGC (NM_017890.5).
Identifiers: ClinVar variation 68091 (VCV000068091.2), dbSNP rs180177367, ClinGen allele CA284805.
Genomic context (GRCh38, chr8:99,766,970, plus strand): 5'-TATCTTCAGATCTTTGGAGAATTGTCTTGAACAGCAGTCAAAATGGAGCTGATGACCAAA[GG>ATGGAGC]TAATTCATTGAAAGATGATATGGTAGCATTACACTGGGAAACAATGATAAGTCATCTTTT-3'

ClinVar aggregate classification (germline): Pathogenic (0 of 4 stars; one submission).

Submission:

SNPedia
Classification: Pathogenic. Review status: no assertion criteria provided. Collection method: not provided. Allele origin: germline.
ClinVar note: Converted during submission from pathogenic to Pathogenic.